The following is an entry in ClinVar:

NM_024753.5(TTC21B):c.433del (p.His145fs)

Genes: TTC21B-AS1 (TTC21B antisense RNA 1; plus strand), TTC21B (tetratricopeptide repeat domain 21B; minus strand). Cytogenetic location: 2q24.3.
Variant type: Deletion.
Coding change: c.433del on transcript NM_024753.5 (MANE Select); coding-DNA position 433, one base deleted (C; older notation c.433delC).
Protein change: p.His145fs; shifts the reading frame from histidine 145.
Molecular consequence: frameshift variant.
Genome position (GRCh38, 1-based): chr2:165,943,338, G deleted on the plus strand (C on the coding strand, the reverse complement: TTC21B is on the minus strand). VCF-style (leftmost placement, unchanged base first): chr2-165943337-TG-T. GRCh37 (hg19) VCF-style: chr2-166799847-TG-T.
Other names: short protein forms H145fs.
Identifiers: ClinVar variation 2027483 (VCV002027483.4), dbSNP rs2468244716, ClinGen allele CA2580064288.

ClinVar aggregate classification (germline): Pathogenic (1 of 4 stars; one submission).

Conditions:
Jeune thoracic dystrophy. Also called: Jeune syndrome; Infantile thoracic dystrophy; Thoracic pelvic phalangeal dystrophy; Jeune's syndrome; Chondroectodermal dysplasia-like syndrome; Short-rib thoracic dysplasia. Identifiers: Orphanet 474, MedGen C0265275, MONDO:0018770.
Nephronophthisis. Also called: Juvenile Nephronophthisis. Identifiers: Orphanet 655, MedGen C0687120, MONDO:0019005, HP:0000090.

Submission:

Labcorp Genetics (formerly Invitae), Labcorp
Classification: Pathogenic for Jeune thoracic dystrophy; Nephronophthisis. Last evaluated: 2022-08-27. Review status: criteria provided, single submitter. Criteria: Invitae Variant Classification Sherloc (09022015). Collection method: clinical testing. Allele origin: germline.
Comment: For these reasons, this variant has been classified as Pathogenic. This variant has not been reported in the literature in individuals affected with TTC21B-related conditions. This variant is not present in population databases (gnomAD no frequency). This sequence change creates a premature translational stop signal (p.His145Thrfs*3) in the TTC21B gene. It is expected to result in an absent or disrupted protein product. Loss-of-function variants in TTC21B are known to be pathogenic (PMID: 18327258, 21068128, 21258341, 23559409, 24876116, 25492405, 27491411, 29068549).

Literature cited by the submitters: PubMed 18327258; PubMed 21068128; PubMed 21258341; PubMed 23559409; PubMed 24876116; PubMed 25492405; PubMed 27491411; PubMed 29068549.